The following is an entry in ClinVar:

ClinVar aggregate classification (germline): Uncertain significance. Review status: criteria provided, multiple submitters, no conflicts (2 of 4 stars). 8 submissions from 8 submitters: Uncertain significance (8). Last evaluated 2026-03-03.

Conditions:
Charcot-Marie-Tooth disease type 4. Also called: Charcot-Marie-Tooth disease, type IV; Charcot-Marie-Tooth, Type 4. Identifiers: Orphanet 64749, MedGen C4082197, MONDO:0018995.
Inborn genetic diseases. Identifiers: MedGen C0950123, MeSH D030342.
Charcot-Marie-Tooth disease type 4B1. Also called: CHARCOT-MARIE-TOOTH DISEASE, DEMYELINATING, TYPE 4B1; CHARCOT-MARIE-TOOTH DISEASE, AUTOSOMAL RECESSIVE, WITH FOCALLY FOLDED MYELIN SHEATHS, AUTOSOMAL RECESSIVE, TYPE 4B1; CHARCOT-MARIE-TOOTH DISEASE, TYPE 4B; Charcot-Marie-Tooth Neuropathy Type 4B1. Identifiers: Orphanet 99955, MedGen C1832399, MONDO:0011066, OMIM 601382.
MTMR2-related disorder. Also called: MTMR2-related condition.
Charcot-Marie-Tooth disease. Also called: Charcot-Marie-Tooth Hereditary Neuropathy; Charcot-Marie-Tooth Neuropathy. Identifiers: Orphanet 166, MedGen C0007959, MONDO:0015626.

Allele frequency attached by ClinVar (database versions not stated): 1000 Genomes Project 0.00020; gnomAD exomes 0.00025 and 0.00029; ExAC 0.00039; gnomAD 0.00014 and 0.00017; ESP Exome Variant Server 0.00015; 1000 Genomes Project 30x 0.00016; TOPMed 0.00017.
gnomAD v4.1: 448 of 1,612,234 alleles (0.028%); highest among the groups gnomAD compares: South Asian, 0.045%; 1 homozygote.

Submissions (8):

PreventionGenetics, part of Exact Sciences
Classification: Uncertain significance for MTMR2-related condition. Last evaluated: 2026-03-03. Review status: criteria provided, single submitter. Criteria: ACMG Guidelines, 2015. Collection method: clinical testing. Allele origin: germline.
Comment: The MTMR2 c.604C>G variant is predicted to result in the amino acid substitution p.Pro202Ala. This variant was reported as a variant of uncertain significance in an individual from a large cohort study of Charcot-Marie-Tooth disease; however, additional evidence was not provided (Volodarsky et al. 2021. PubMed ID: 32376792). This variant is reported in 0.039% of alleles in individuals of South Asian descent in gnomAD. At this time, the clinical significance of this variant is uncertain due to the absence of conclusive functional and genetic evidence.

Labcorp Genetics (formerly Invitae), Labcorp
Classification: Uncertain significance for Charcot-Marie-Tooth disease type 4. Last evaluated: 2026-01-07. Review status: criteria provided, single submitter. Criteria: Invitae Variant Classification Sherloc (09022015). Collection method: clinical testing. Allele origin: germline.
Comment: This sequence change replaces proline, which is neutral and non-polar, with alanine, which is neutral and non-polar, at codon 202 of the MTMR2 protein (p.Pro202Ala). This variant is present in population databases (rs186380748, gnomAD 0.05%). This missense change has been observed in individual(s) with clinical features of Charcot-Marie-Tooth disease (PMID: 32376792). ClinVar contains an entry for this variant (Variation ID: 543380). Invitae Evidence Modeling of protein sequence and biophysical properties (such as structural, functional, and spatial information, amino acid conservation, physicochemical variation, residue mobility, and thermodynamic stability) indicates that this missense variant is not expected to disrupt MTMR2 protein function with a negative predictive value of 80%. In summary, the available evidence is currently insufficient to determine the role of this variant in disease. Therefore, it has been classified as a Variant of Uncertain Significance.

GeneDx
Classification: Uncertain significance. Last evaluated: 2024-12-11. Review status: criteria provided, single submitter. Criteria: GeneDx Variant Classification Process June 2021. Collection method: clinical testing. Allele origin: germline. Affected: yes.
Comment: In silico analysis supports that this missense variant has a deleterious effect on protein structure/function; This variant is associated with the following publications: (PMID: 27582484, 32376792)

Athena Diagnostics
Classification: Uncertain significance. Last evaluated: 2021-11-09. Review status: criteria provided, single submitter. Criteria: Athena Diagnostics Criteria. Collection method: clinical testing. Allele origin: unknown.

Ambry Genetics
Classification: Uncertain significance for Inborn genetic diseases. Last evaluated: 2020-03-21. Review status: criteria provided, single submitter. Criteria: Ambry Variant Classification Scheme 2023. Collection method: clinical testing. Allele origin: germline.
Comment: The p.P202A variant (also known as c.604C>G), located in coding exon 7 of the MTMR2 gene, results from a C to G substitution at nucleotide position 604. The proline at codon 202 is replaced by alanine, an amino acid with highly similar properties. This amino acid position is well conserved in available vertebrate species. In addition, this alteration is predicted to be tolerated by in silico analysis. Since supporting evidence is limited at this time, the clinical significance of this alteration remains unclear.

Illumina Laboratory Services, Illumina
Classification: Uncertain significance for Charcot-Marie-Tooth disease type 4B1. Last evaluated: 2018-01-13. Review status: criteria provided, single submitter. Criteria: ICSL Variant Classification Criteria 13 December 2019. Collection method: clinical testing. Allele origin: germline.

Breakthrough Genomics
Classification: Uncertain significance. Review status: criteria provided, single submitter. Criteria: ACMG Guidelines, 2015. Collection method: not provided. Allele origin: germline. Inheritance: Autosomal recessive inheritance. Affected: yes.

Molecular Genetics Laboratory, London Health Sciences Centre
Classification: Uncertain significance for Charcot-Marie-Tooth disease. Review status: criteria provided, single submitter. Criteria: ACMG Guidelines, 2015. Collection method: clinical testing. Allele origin: germline. Affected: yes.

Literature cited by the submitters: PubMed 32376792 (cited by Labcorp Genetics (formerly Invitae), Labcorp and Athena Diagnostics); PubMed 27582484 (cited by Athena Diagnostics).

NM_016156.6(MTMR2):c.604C>G (p.Pro202Ala)

Gene: MTMR2 (myotubularin related protein 2; minus strand). Cytogenetic location: 11q21.
Variant type: single nucleotide variant.
Coding change: c.604C>G on transcript NM_016156.6 (MANE Select); coding-DNA position 604, C replaced by G.
Protein change: p.Pro202Ala; replaces proline 202 with alanine.
Molecular consequence: missense variant.
Genome position (GRCh38, 1-based): chr11:95,857,602, G>C on the plus strand (C>G on the coding strand, the complement: MTMR2 is on the minus strand). VCF-style: chr11-95857602-G-C. GRCh37 (hg19) VCF-style: chr11-95590766-G-C.
Other names: c.388C>G, p.Pro130Ala (NM_001243571.2, NM_201278.3, NM_201281.3); short protein forms P202A, P130A.
Identifiers: ClinVar variation 543380 (VCV000543380.20), dbSNP rs186380748, ClinGen allele CA6240286.